The following is an entry in ClinVar:

NM_000400.4(ERCC2):c.1333A>G (p.Lys445Glu)

Gene: ERCC2 (ERCC excision repair 2, TFIIH core complex helicase subunit; minus strand). Cytogenetic location: 19q13.32.
Variant type: single nucleotide variant.
Coding change: c.1333A>G on transcript NM_000400.4 (MANE Select); coding-DNA position 1333, A replaced by G.
Protein change: p.Lys445Glu; replaces lysine 445 with glutamic acid.
Molecular consequence: missense variant.
Genome position (GRCh38, 1-based): chr19:45,357,518, T>C on the plus strand (A>G on the coding strand, the complement: ERCC2 is on the minus strand). VCF-style: chr19-45357518-T-C. GRCh37 (hg19) VCF-style: chr19-45860776-T-C.
Other names: short protein forms K445E.
Identifiers: ClinVar variation 1770194 (VCV001770194.2), dbSNP rs746262265, ClinGen allele CA9513346.

ClinVar aggregate classification (germline): Uncertain significance (1 of 4 stars; one submission).

Conditions:
Inborn genetic diseases. Identifiers: MedGen C0950123, MeSH D030342.

Allele frequency attached by ClinVar (database versions not stated): gnomAD exomes below 0.00001; ExAC 0.00001; gnomAD 0.00002; TOPMed 0.00002.
gnomAD v4.1: 4 of 1,614,034 alleles (0.00025%); highest among the groups gnomAD compares: African/African-American, 0.0053%; no homozygotes.

Submission:

Ambry Genetics
Classification: Uncertain significance for Inborn genetic diseases. Last evaluated: 2022-09-24. Review status: criteria provided, single submitter. Criteria: Ambry Variant Classification Scheme 2023. Collection method: clinical testing. Allele origin: germline.
Comment: The p.K445E variant (also known as c.1333A>G), located in coding exon 14 of the ERCC2 gene, results from an A to G substitution at nucleotide position 1333. The lysine at codon 445 is replaced by glutamic acid, an amino acid with similar properties. This amino acid position is conserved. In addition, this alteration is predicted to be deleterious by in silico analysis. Since supporting evidence is limited at this time, the clinical significance of this alteration remains unclear.